The following is an entry in ClinVar:

ClinVar aggregate classification (germline): Pathogenic. Review status: criteria provided, multiple submitters, no conflicts (2 of 4 stars). 2 submissions from 2 submitters: Pathogenic (2). Last evaluated 2025-03-09.

Conditions:
Familial cancer of breast. Also called: Hereditary breast cancer; BREAST CANCER, FAMILIAL; hereditary breast carcinoma. Identifiers: Orphanet 227535, MedGen C0346153, MONDO:0016419, OMIM 114480. Disease mechanism: loss of function.

Submissions (2):

Labcorp Genetics (formerly Invitae), Labcorp
Classification: Pathogenic for Familial cancer of breast. Last evaluated: 2025-03-09. Review status: criteria provided, single submitter. Criteria: Invitae Variant Classification Sherloc (09022015). Collection method: clinical testing. Allele origin: germline.
Comment: This sequence change creates a premature translational stop signal (p.Trp146Cysfs*2) in the BARD1 gene. It is expected to result in an absent or disrupted protein product. Loss-of-function variants in BARD1 are known to be pathogenic (PMID: 20077502, 21344236). This variant is not present in population databases (gnomAD no frequency). This variant has not been reported in the literature in individuals affected with BARD1-related conditions. ClinVar contains an entry for this variant (Variation ID: 2583544). For these reasons, this variant has been classified as Pathogenic.

Myriad Genetics, Inc.
Classification: Pathogenic for Familial cancer of breast. Last evaluated: 2023-05-18. Review status: criteria provided, single submitter. Criteria: Myriad Autosomal Dominant, Autosomal Recessive and X-Linked Classification Criteria (2023). Collection method: clinical testing. Allele origin: unknown.
Comment: This variant is considered pathogenic. This variant creates a frameshift predicted to result in premature protein truncation.

Literature cited by the submitters: PubMed 20077502 (cited by Labcorp Genetics (formerly Invitae), Labcorp); PubMed 21344236 (cited by Labcorp Genetics (formerly Invitae), Labcorp).

NM_000465.4(BARD1):c.438_439del (p.Trp146fs)

Gene: BARD1 (BRCA1 associated RING domain 1; minus strand). Cytogenetic location: 2q35.
Variant type: Deletion.
Coding change: c.438_439del on transcript NM_000465.4 (MANE Select); coding-DNA positions 438 to 439, 2 bases deleted (GT; older notation c.438_439delGT).
Protein change: p.Trp146fs; shifts the reading frame from tryptophan 146.
Molecular consequence: frameshift variant. On other transcripts: non-coding transcript variant (2), intron variant (3).
Genome position (GRCh38, 1-based): chr2:214,781,435-214,781,436, AC deleted on the plus strand (GT on the coding strand, the reverse complement: BARD1 is on the minus strand). VCF-style (leftmost placement, unchanged base first): chr2-214781434-AAC-A. GRCh37 (hg19) VCF-style: chr2-215646158-AAC-A.
Other names: c.381_382del, p.Trp127fs (NM_001282543.2); c.158+27976_158+27977del (NM_001282548.2); c.215+15625_215+15626del (NM_001282545.2); c.364+10861_364+10862del (NM_001282549.2); short protein forms W127fs, W146fs.
Identifiers: ClinVar variation 2583544 (VCV002583544.3), dbSNP rs2469513513, ClinGen allele CA2582342113.